The following is an entry in ClinVar:

ClinVar aggregate classification (germline): Uncertain significance (1 of 4 stars; one submission).

Conditions:
Neurofibromatosis, type 1 (NF1). Also called: VON RECKLINGHAUSEN DISEASE; Peripheral type neurofibromatosis; NEUROFIBROMATOSIS, TYPE I, SOMATIC; Neurofibromatosis, type I. Identifiers: Orphanet 636, MedGen C0027831, MONDO:0018975, OMIM 162200. Disease mechanism: loss of function.

Submission:

Labcorp Genetics (formerly Invitae), Labcorp
Classification: Uncertain significance for Neurofibromatosis, type 1. Last evaluated: 2024-11-17. Review status: criteria provided, single submitter. Criteria: Invitae Variant Classification Sherloc (09022015). Collection method: clinical testing. Allele origin: germline.
Comment: This sequence change replaces asparagine, which is neutral and polar, with aspartic acid, which is acidic and polar, at codon 2512 of the NF1 protein (p.Asn2512Asp). This variant is not present in population databases (gnomAD no frequency). This variant has not been reported in the literature in individuals affected with NF1-related conditions. Invitae Evidence Modeling of protein sequence and biophysical properties (such as structural, functional, and spatial information, amino acid conservation, physicochemical variation, residue mobility, and thermodynamic stability) indicates that this missense variant is expected to disrupt NF1 protein function with a positive predictive value of 80%. In summary, the available evidence is currently insufficient to determine the role of this variant in disease. Therefore, it has been classified as a Variant of Uncertain Significance.

NM_001042492.3(NF1):c.7597A>G (p.Asn2533Asp)

Gene: NF1 (neurofibromin 1; plus strand). Cytogenetic location: 17q11.2.
Variant type: single nucleotide variant.
Coding change: c.7597A>G on transcript NM_001042492.3 (MANE Select); coding-DNA position 7597, A replaced by G.
Protein change: p.Asn2533Asp; replaces asparagine 2533 with aspartic acid.
Molecular consequence: missense variant.
Genome position (GRCh38, 1-based): chr17:31,352,396, A>G. VCF-style: chr17-31352396-A-G. GRCh37 (hg19) VCF-style: chr17-29679414-A-G.
Other names: c.7534A>G, p.Asn2512Asp (NM_000267.4); short protein forms N2512D, N2533D.
Identifiers: ClinVar variation 3634602 (VCV003634602.2).